The following is an entry in ClinVar:

ClinVar aggregate classification (germline): Uncertain significance. Review status: criteria provided, multiple submitters, no conflicts (2 of 4 stars). 2 submissions from 2 submitters: Uncertain significance (2). Last evaluated 2025-04-04.

Conditions:
Neuroblastoma, susceptibility to, 3. Also called: ALK-Related Neuroblastic Tumor Susceptibility. Identifiers: Orphanet 635, MedGen C2751681, MONDO:0013083, OMIM 613014.
Hereditary cancer-predisposing syndrome. Also called: Tumor predisposition; Neoplastic Syndromes, Hereditary; Hereditary Cancer Syndrome; Hereditary neoplastic syndrome. Identifiers: Orphanet 140162, MedGen C0027672, MeSH D009386, MONDO:0015356.

Submissions (2):

Ambry Genetics
Classification: Uncertain significance for Hereditary cancer-predisposing syndrome. Last evaluated: 2025-04-04. Review status: criteria provided, single submitter. Criteria: Ambry Variant Classification Scheme 2023. Collection method: clinical testing. Allele origin: germline.
Comment: The p.C1259S variant (also known as c.3776G>C), located in coding exon 25 of the ALK gene, results from a G to C substitution at nucleotide position 3776. The cysteine at codon 1259 is replaced by serine, an amino acid with dissimilar properties. This amino acid position is conserved. In addition, the in silico prediction for this alteration is inconclusive. Since supporting evidence is limited at this time, the clinical significance of this alteration remains unclear.

Labcorp Genetics (formerly Invitae), Labcorp
Classification: Uncertain significance for Neuroblastoma, susceptibility to, 3. Last evaluated: 2020-03-03. Review status: criteria provided, single submitter. Criteria: Invitae Variant Classification Sherloc (09022015). Collection method: clinical testing. Allele origin: germline.
Comment: In summary, the available evidence is currently insufficient to determine the role of this variant in disease. Therefore, it has been classified as a Variant of Uncertain Significance. Algorithms developed to predict the effect of missense changes on protein structure and function (SIFT, PolyPhen-2, Align-GVGD) all suggest that this variant is likely to be tolerated, but these predictions have not been confirmed by published functional studies and their clinical significance is uncertain. This variant has not been reported in the literature in individuals with ALK-related conditions. This variant is not present in population databases (ExAC no frequency). This sequence change replaces cysteine with serine at codon 1259 of the ALK protein (p.Cys1259Ser). The cysteine residue is highly conserved and there is a moderate physicochemical difference between cysteine and serine.

NM_004304.5(ALK):c.3776G>C (p.Cys1259Ser)

Gene: ALK (ALK receptor tyrosine kinase; minus strand). Cytogenetic location: 2p23.2.
Variant type: single nucleotide variant.
Coding change: c.3776G>C on transcript NM_004304.5 (MANE Select); coding-DNA position 3776, G replaced by C.
Protein change: p.Cys1259Ser; replaces cysteine 1259 with serine.
Molecular consequence: missense variant.
Genome position (GRCh38, 1-based): chr2:29,209,846, C>G on the plus strand (G>C on the coding strand, the complement: ALK is on the minus strand). VCF-style: chr2-29209846-C-G. GRCh37 (hg19) VCF-style: chr2-29432712-C-G.
Other names: c.572G>C, p.Cys191Ser (NM_001353765.2); short protein forms C1259S, C191S.
Identifiers: ClinVar variation 1062816 (VCV001062816.12), dbSNP rs1669417026, ClinGen allele CA346469746.
Genomic context (GRCh38, chr2:29,209,846, plus strand): 5'-CTGTAGATGTCTCGGGCCATCCCGAAGTCTCCAATCTTGGCCACTCTTCCAGGGCCTGGA[C>G]AGGTCAAGAGGCAGTTTCTGGCAGCAATGTCTCTGGGAAGAAAGGAAATGCATTTCCTAA-3'
Protein context (NP_004295.2, residues 1249-1269): DIAARNCLLT[Cys1259Ser]PGPGRVAKIG